The following is an entry in ClinVar:

ClinVar aggregate classification (germline): Conflicting classifications of pathogenicity. Review status: criteria provided, conflicting classifications (1 of 4 stars). 2 submissions from 2 submitters: Uncertain significance (1); Likely benign (1). Last evaluated 2023-12-23.

Conditions:
Autism spectrum disorder. Also called: Autism spectrum disorders. Identifiers: MedGen C1510586, MeSH D000067877, MONDO:0005258.

Allele frequency attached by ClinVar (database versions not stated): TOPMed below 0.00001; ExAC 0.00001; gnomAD 0.00001; gnomAD exomes 0.00001.
gnomAD v4.1: 16 of 1,613,334 alleles (0.00099%); highest among the groups gnomAD compares: Non-Finnish European, 0.0014%; no homozygotes.

Submissions (2):

Labcorp Genetics (formerly Invitae), Labcorp
Classification: Uncertain significance. Last evaluated: 2023-12-23. Review status: criteria provided, single submitter. Criteria: Invitae Variant Classification Sherloc (09022015). Collection method: clinical testing. Allele origin: germline.
Comment: This sequence change replaces serine, which is neutral and polar, with cysteine, which is neutral and slightly polar, at codon 7 of the NALCN protein (p.Ser7Cys). This variant is present in population databases (rs755839325, gnomAD 0.0009%). This variant has not been reported in the literature in individuals affected with NALCN-related conditions. ClinVar contains an entry for this variant (Variation ID: 2430027). Advanced modeling of protein sequence and biophysical properties (such as structural, functional, and spatial information, amino acid conservation, physicochemical variation, residue mobility, and thermodynamic stability) performed at Invitae indicates that this missense variant is expected to disrupt NALCN protein function with a positive predictive value of 95%. In summary, the available evidence is currently insufficient to determine the role of this variant in disease. Therefore, it has been classified as a Variant of Uncertain Significance.

Department of Genetics, Rouen University Hospital, Normandy Center for Genomic and Personalized Medicine
Classification: Likely benign for Autism spectrum disorder. Last evaluated: 2022-08-05. Review status: criteria provided, single submitter. Criteria: ACMG Guidelines, 2015. Collection method: clinical testing. Allele origin: paternal. Affected: yes.

NM_052867.4(NALCN):c.19A>T (p.Ser7Cys)

Gene: NALCN (sodium leak channel, non-selective; minus strand). Cytogenetic location: 13q33.1.
Variant type: single nucleotide variant.
Coding change: c.19A>T on transcript NM_052867.4 (MANE Select); coding-DNA position 19, A replaced by T.
Protein change: p.Ser7Cys; replaces serine 7 with cysteine.
Molecular consequence: missense variant.
Genome position (GRCh38, 1-based): chr13:101,399,108, T>A on the plus strand (A>T on the coding strand, the complement: NALCN is on the minus strand). VCF-style: chr13-101399108-T-A. GRCh37 (hg19) VCF-style: chr13-102051459-T-A.
Other names: c.19A>T, p.Ser7Cys (NM_001350748.2, NM_001350749.2, NM_001350750.2 and 1 more transcripts); short protein forms S7C.
Identifiers: ClinVar variation 2430027 (VCV002430027.5), dbSNP rs755839325, ClinGen allele CA7036575.
Genomic context (GRCh38, chr13:101,399,108, plus strand): 5'-TATCCGACAGAGACTCATCAGGACCAAAGTCAGTGACTGGCTGGGCTTCCACCCTGGAAC[T>A]CTGCTTCCTTTTGAGCATGCTGAGGTTAGCTTTGGTGAGCAAGCACAAAACCACAGTCTG-3'
Protein context (NP_443099.1, residues 1-17): MLKRKQ[Ser7Cys]SRVEAQPVTD